The following is an entry in ClinVar:

NM_001127222.2(CACNA1A):c.3715A>G (p.Ile1239Val)

Gene: CACNA1A (calcium voltage-gated channel subunit alpha1 A; minus strand). Cytogenetic location: 19p13.13.
Variant type: single nucleotide variant.
Coding change: c.3715A>G on transcript NM_001127222.2 (MANE Select); coding-DNA position 3715, A replaced by G.
Protein change: p.Ile1239Val; replaces isoleucine 1239 with valine.
Molecular consequence: missense variant.
Genome position (GRCh38, 1-based): chr19:13,283,374, T>C on the plus strand (A>G on the coding strand, the complement: CACNA1A is on the minus strand). VCF-style: chr19-13283374-T-C. GRCh37 (hg19) VCF-style: chr19-13394188-T-C.
Other names: c.3718A>G, p.Ile1240Val (NM_001174080.2, NM_001127221.2); c.3727A>G, p.Ile1243Val (NM_023035.3, NM_000068.4); c.3718A>G (NM_001127221.1); short protein forms I1239V, I1240V, I1243V.
Identifiers: ClinVar variation 1054804 (VCV001054804.11), dbSNP rs375903481, ClinGen allele CA9240202.

ClinVar aggregate classification (germline): Uncertain significance. Review status: criteria provided, multiple submitters, no conflicts (2 of 4 stars). 2 submissions from 2 submitters: Uncertain significance (2). Last evaluated 2025-06-23.

Conditions:
Developmental and epileptic encephalopathy, 42 (DEE42A). Also called: DEVELOPMENTAL AND EPILEPTIC ENCEPHALOPATHY 42A; EPILEPTIC ENCEPHALOPATHY, EARLY INFANTILE, 42A; Epileptic encephalopathy, early infantile, 42. Identifiers: MedGen C4310716, MONDO:0014917, OMIM 617106.
Episodic ataxia type 2 (EA2). Also called: EPISODIC ATAXIA, NYSTAGMUS-ASSOCIATED; ACETAZOLAMIDE-RESPONSIVE HEREDITARY PAROXYSMAL CEREBELLAR ATAXIA; ATAXIA, EPISODIC, WITH NYSTAGMUS; ATAXIA, FAMILIAL PAROXYSMAL; CEREBELLAR ATAXIA, PAROXYSMAL, ACETAZOLAMIDE-RESPONSIVE; CEREBELLOPATHY, HEREDITARY PAROXYSMAL. Identifiers: Orphanet 97, MedGen C1720416, MONDO:0007163, OMIM 108500.

Allele frequency attached by ClinVar (database versions not stated): gnomAD 0.00001; ESP Exome Variant Server 0.00008; gnomAD exomes below 0.00001; TOPMed 0.00002; ExAC 0.00002.
gnomAD v4.1: 2 of 1,613,822 alleles (0.00012%); highest among the groups gnomAD compares: African/African-American, 0.0027%; no homozygotes.

Submissions (2):

Revvity Omics, Revvity
Classification: Uncertain significance. Last evaluated: 2025-06-23. Review status: criteria provided, single submitter. Criteria: ACMG Guidelines, 2015. Collection method: clinical testing. Allele origin: germline.

Labcorp Genetics (formerly Invitae), Labcorp
Classification: Uncertain significance for Developmental and epileptic encephalopathy, 42; Episodic ataxia type 2. Last evaluated: 2020-02-14. Review status: criteria provided, single submitter. Criteria: Invitae Variant Classification Sherloc (09022015). Collection method: clinical testing. Allele origin: germline.
Comment: In summary, the available evidence is currently insufficient to determine the role of this variant in disease. Therefore, it has been classified as a Variant of Uncertain Significance. Algorithms developed to predict the effect of missense changes on protein structure and function (SIFT, PolyPhen-2, Align-GVGD) all suggest that this variant is likely to be tolerated, but these predictions have not been confirmed by published functional studies and their clinical significance is uncertain. This variant has not been reported in the literature in individuals with CACNA1A-related conditions. This variant is present in population databases (rs375903481, ExAC 0.02%). This sequence change replaces isoleucine with valine at codon 1240 of the CACNA1A protein (p.Ile1240Val). The isoleucine residue is highly conserved and there is a small physicochemical difference between isoleucine and valine.